The following is an entry in ClinVar:

ClinVar aggregate classification (germline): Uncertain significance (1 of 4 stars; one submission).

Conditions:
Hypertrophic cardiomyopathy. Also called: HYPERTROPHIC MYOCARDIOPATHY. Identifiers: Orphanet 217569, MedGen C0007194, MeSH D002312, MONDO:0005045, HP:0001639.

gnomAD v4.1: 1 of 1,570,686 alleles (0.000064%); highest among the groups gnomAD compares: Non-Finnish European, 0.000087%; no homozygotes.

Submission:

Labcorp Genetics (formerly Invitae), Labcorp
Classification: Uncertain significance for Hypertrophic cardiomyopathy. Last evaluated: 2025-02-05. Review status: criteria provided, single submitter. Criteria: Invitae Variant Classification Sherloc (09022015). Collection method: clinical testing. Allele origin: germline.
Comment: This sequence change falls in intron 31 of the MYOM1 gene. It does not directly change the encoded amino acid sequence of the MYOM1 protein. This variant is not present in population databases (gnomAD no frequency). This variant has not been reported in the literature in individuals affected with MYOM1-related conditions. Algorithms developed to predict the effect of sequence changes on RNA splicing suggest that this variant may disrupt the consensus splice site. In summary, the available evidence is currently insufficient to determine the role of this variant in disease. Therefore, it has been classified as a Variant of Uncertain Significance.

NM_003803.4(MYOM1):c.4340-17T>A

Gene: MYOM1 (myomesin 1; minus strand). Cytogenetic location: 18p11.31.
Variant type: single nucleotide variant.
Coding change: c.4340-17T>A on transcript NM_003803.4 (MANE Select); 17 bases into the intron before coding-DNA position 4340, T replaced by A.
Molecular consequence: intron variant.
Genome position (GRCh38, 1-based): chr18:3,084,044, A>T on the plus strand (T>A on the coding strand, the complement: MYOM1 is on the minus strand). VCF-style: chr18-3084044-A-T. GRCh37 (hg19) VCF-style: chr18-3084042-A-T.
Other names: c.4052-17T>A (NM_019856.2).
Identifiers: ClinVar variation 3625211 (VCV003625211.2).